The following is an entry in ClinVar:

NM_152564.5(VPS13B):c.8622-9A>G

Gene: VPS13B (vacuolar protein sorting 13 homolog B; plus strand). Cytogenetic location: 8q22.2.
Variant type: single nucleotide variant.
Coding change: c.8622-9A>G on transcript NM_152564.5 (MANE Select); 9 bases into the intron before coding-DNA position 8622, A replaced by G.
Molecular consequence: intron variant.
Genome position (GRCh38, 1-based): chr8:99,819,403, A>G. VCF-style: chr8-99819403-A-G. GRCh37 (hg19) VCF-style: chr8-100831631-A-G.
Other names: c.8697-9A>G (NM_017890.5); c.8622-9A>G (NM_152564.4).
Identifiers: ClinVar variation 56697 (VCV000056697.14), dbSNP rs386834116, ClinGen allele CA264150.

ClinVar aggregate classification (germline): Conflicting classifications of pathogenicity. Review status: criteria provided, conflicting classifications (1 of 4 stars). 8 submissions from 8 submitters: Pathogenic (1); Likely pathogenic (5); Uncertain significance (1). 1 of the submissions does not count toward it. Last evaluated 2026-09-10.

Conditions:
VPS13B-related disorder. Also called: VPS13B-related condition.
Cohen syndrome (COH1). Also called: PEPPER SYNDROME; Cutis verticis gyrata, retinitis pigmentosa, and sensorineural deafness. Identifiers: Orphanet 193, MedGen C0265223, MONDO:0008999, OMIM 216550.

Allele frequency attached by ClinVar (database versions not stated): gnomAD exomes below 0.00001; ExAC 0.00001.
gnomAD v4.1: 5 of 1,613,502 alleles (0.00031%); highest among the groups gnomAD compares: East Asian, 0.0022%; no homozygotes.

Submissions (8):

PreventionGenetics, part of Exact Sciences
Classification: Uncertain significance for VPS13B-related condition. Last evaluated: 2026-09-10. Review status: criteria provided, single submitter. Criteria: ACMG Guidelines, 2015. Collection method: clinical testing. Allele origin: germline.
Comment: The VPS13B c.8622-9A>G variant is predicted to interfere with splicing. This variant is predicted to alter splicing based on available splicing prediction software (SpliceAI, Jaganathan et al. 2019. PubMed ID: 30661751). However, the use of computer prediction software is not equivalent to functional evidence. This variant has been reported in the compound heterozygous state with a loss of function variant in an individual with Cohen syndrome (as c.8697-9A>G in an alternative transcript NM_017890; gene under alternative name COH1; Athanasakis et al. 2012. PubMed ID: 22855652). This variant is reported in 0.0033% of alleles in individuals of South Asian descent in gnomAD. Although we suspect that this variant may be pathogenic, at this time, the clinical significance of this variant is uncertain due to the absence of conclusive functional and genetic evidence.

3billion
Classification: Likely pathogenic for Cohen syndrome. Last evaluated: 2025-07-09. Review status: criteria provided, single submitter. Criteria: ACMG Guidelines, 2015. Collection method: clinical testing. Allele origin: germline. Affected: yes.
Comment: The variant is observed at an extremely low frequency in the gnomAD v4.1.0 dataset (total allele frequency: <0.001%). Predicted Consequence/Location: Intron variant In silico tools predict the variant to alter splicing and produce an abnormal transcript [SpliceAI: 1.00 (>=0.2, moderate evidence for spliceogenicity)]. The variant has been reported to be in trans with a pathogenic variant as either compound heterozygous or homozygous in at least one similarly affected unrelated individual (PMID: 22855652). The variant has been reported at least twice as pathogenic with clinical assertions and evidence for the classification (ClinVar ID: VCV000056697 /PMID: 22855652). Therefore, this variant is classified as Likely pathogenic according to the recommendation of ACMG/AMP guideline.

Labcorp Genetics (formerly Invitae), Labcorp
Classification: Likely pathogenic for Cohen syndrome. Last evaluated: 2025-04-08. Review status: criteria provided, single submitter. Criteria: Invitae Variant Classification Sherloc (09022015). Collection method: clinical testing. Allele origin: germline.
Comment: This sequence change falls in intron 47 of the VPS13B gene. It does not directly change the encoded amino acid sequence of the VPS13B protein. This variant is present in population databases (rs386834116, gnomAD 0.003%). This variant has been observed in individual(s) with Cohen syndrome (PMID: 22855652). In at least one individual the data is consistent with being in trans (on the opposite chromosome) from a pathogenic variant. ClinVar contains an entry for this variant (Variation ID: 56697). Algorithms developed to predict the effect of sequence changes on RNA splicing suggest that this variant may disrupt the consensus splice site. In summary, the currently available evidence indicates that the variant is pathogenic, but additional data are needed to prove that conclusively. Therefore, this variant has been classified as Likely Pathogenic.

GeneDx
Classification: Likely pathogenic. Last evaluated: 2024-07-29. Review status: criteria provided, single submitter. Criteria: GeneDx Variant Classification Process June 2021. Collection method: clinical testing. Allele origin: germline. Affected: yes.
Comment: Not observed at significant frequency in large population cohorts (gnomAD); In silico analysis supports a deleterious effect on splicing; This variant is associated with the following publications: (PMID: 22855652)

Fulgent Genetics
Classification: Likely pathogenic for Cohen syndrome. Last evaluated: 2024-05-08. Review status: criteria provided, single submitter. Criteria: ACMG Guidelines, 2015. Collection method: clinical testing. Allele origin: germline.

Women's Health and Genetics/Laboratory Corporation of America, LabCorp
Classification: Pathogenic for Cohen syndrome. Last evaluated: 2023-02-03. Review status: criteria provided, single submitter. Criteria: LabCorp Variant Classification Summary - May 2015. Collection method: clinical testing. Allele origin: germline.
Comment: Variant summary: VPS13B c.8697-9A>G alters a non-conserved nucleotide located close to a canonical splice site and therefore could affect mRNA splicing, leading to a significantly altered protein sequence. Several computational tools predict a significant impact on normal splicing: Four predict the variant creates a cryptic 3' acceptor site eight nucleotides upstream into intron 47. Two predict the variant abolishes the canonical 3' acceptor site and one predicts the variant weakens the canonical 3' acceptor site. This impact on splicing was confirmed via cDNA sequencing by Athanasakis_2012. The variant allele was found at a frequency of 4e-06 in 250926 control chromosomes (gnomAD). c.8697-9A>G has been reported in the literature in at least one compound heterozygous individuals affected with Cohen Syndrome (Athanasakis_2012). These data do not allow any conclusion about variant significance. Two ClinVar submitters have assessed the variant since 2014: one classified the variant as likely pathogenic, and one as pathogenic. Based on the evidence outlined above, the variant was classified as pathogenic.

Blueprint Genetics
Classification: Likely pathogenic for VPS13B-related disorders. Last evaluated: 2019-09-26. Review status: criteria provided, single submitter. Criteria: ACMG Guidelines, 2015. Collection method: clinical testing. Allele origin: germline. Affected: yes. Observed: 1 variant allele.

Juha Muilu Group; Institute for Molecular Medicine Finland (FIMM)
Classification: Likely pathogenic for Cohen syndrome. Review status: no assertion criteria provided. Collection method: not provided. Allele origin: unknown. Not counted in ClinVar's aggregate classification.
Comment: FinDis database variant: This variant was not found or characterized by our laboratory, data were collected from public sources: see reference
ClinVar note: Converted during submission from probable-pathogenic to Likely pathogenic.

Literature cited by the submitters: PubMed 22855652 (cited by 3 submitters).